The following is an entry in ClinVar:

NM_001369.3(DNAH5):c.12794del (p.Asn4265fs)

Gene: DNAH5 (dynein axonemal heavy chain 5; minus strand). Cytogenetic location: 5p15.2.
Variant type: Deletion.
Coding change: c.12794del on transcript NM_001369.3 (MANE Select); coding-DNA position 12794, one base deleted (A; older notation c.12794delA).
Protein change: p.Asn4265fs; shifts the reading frame from asparagine 4265.
Molecular consequence: frameshift variant.
Genome position (GRCh38, 1-based): chr5:13,716,602, T deleted on the plus strand (A on the coding strand, the reverse complement: DNAH5 is on the minus strand); the first of 2 consecutive T bases (chr5:13,716,602-13,716,603); deleting either gives the same sequence. VCF-style (leftmost placement, unchanged base first): chr5-13716601-GT-G. GRCh37 (hg19) VCF-style: chr5-13716710-GT-G.
Other names: short protein forms N4265fs.
Identifiers: ClinVar variation 2746367 (VCV002746367.3), dbSNP rs2546509072, ClinGen allele CA2697547015.

ClinVar aggregate classification (germline): Pathogenic (1 of 4 stars; one submission).

Conditions:
Primary ciliary dyskinesia. Also called: Ciliary dyskinesia. Identifiers: Orphanet 244, MedGen C0008780, MONDO:0016575, HP:0012265.

Submission:

Labcorp Genetics (formerly Invitae), Labcorp
Classification: Pathogenic for Primary ciliary dyskinesia. Last evaluated: 2023-07-25. Review status: criteria provided, single submitter. Criteria: Invitae Variant Classification Sherloc (09022015). Collection method: clinical testing. Allele origin: germline.
Comment: This variant has not been reported in the literature in individuals affected with DNAH5-related conditions. Algorithms developed to predict the effect of sequence changes on RNA splicing suggest that this variant may disrupt the consensus splice site. For these reasons, this variant has been classified as Pathogenic. This variant is not present in population databases (gnomAD no frequency). This sequence change creates a premature translational stop signal (p.Asn4265Thrfs*73) in the DNAH5 gene. It is expected to result in an absent or disrupted protein product. Loss-of-function variants in DNAH5 are known to be pathogenic (PMID: 11788826, 16627867).

Literature cited by the submitters: PubMed 11788826; PubMed 16627867.